The following is an entry in ClinVar:

ClinVar aggregate classification (germline): Conflicting classifications of pathogenicity. Review status: criteria provided, conflicting classifications (1 of 4 stars). 3 submissions from 3 submitters: Pathogenic (1); Likely pathogenic (1); Uncertain significance (1). Last evaluated 2021-04-04.

Conditions:
Bethlem myopathy 1A. Also called: MYOPATHY, BENIGN CONGENITAL, WITH CONTRACTURES; Bethlem Muscular Dystrophy; Bethlem myopathy 1. Identifiers: Orphanet 610, MedGen CN029274, MONDO:0024530, OMIM 158810.

Submissions (3):

Labcorp Genetics (formerly Invitae), Labcorp
Classification: Pathogenic for Bethlem myopathy 1A. Last evaluated: 2021-04-04. Review status: criteria provided, single submitter. Criteria: Invitae Variant Classification Sherloc (09022015). Collection method: clinical testing. Allele origin: germline.
Comment: For these reasons, this variant has been classified as Pathogenic. Algorithms developed to predict the effect of missense changes on protein structure and function are either unavailable or do not agree on the potential impact of this missense change (SIFT: "Deleterious"; PolyPhen-2: "Probably Damaging"; Align-GVGD: "Class C0"). This variant has been observed in individual(s) with clinical features of autosomal dominant Bethlem myopathy (PMID: 25326637, 24134684). In at least one individual the variant was observed to be de novo. ClinVar contains an entry for this variant (Variation ID: 216911). This variant is not present in population databases (ExAC no frequency). This sequence change replaces glycine with aspartic acid at codon 699 of the COL6A2 protein (p.Gly699Asp). The glycine residue is highly conserved and there is a moderate physicochemical difference between glycine and aspartic acid.

Eurofins Ntd Llc (ga)
Classification: Uncertain significance. Last evaluated: 2017-06-28. Review status: criteria provided, single submitter. Criteria: EGL Classification Definitions 2015. Collection method: clinical testing. Allele origin: germline. Observed: 1 variant allele, 1 heterozygote.

UCLA Clinical Genomics Center, UCLA
Classification: Likely pathogenic for Bethlem myopathy. Last evaluated: 2012-03-27. Review status: criteria provided, single submitter. Criteria: Lee et al. (JAMA. 2014). Collection method: clinical testing. Allele origin: de novo. Inheritance: Autosomal dominant inheritance. Affected: yes. Study: CES.

Literature cited by the submitters: PubMed 25326637 (cited by Labcorp Genetics (formerly Invitae), Labcorp); PubMed 24134684 (cited by Labcorp Genetics (formerly Invitae), Labcorp).

NM_001849.4(COL6A2):c.2096G>A (p.Gly699Asp)

Gene: COL6A2 (collagen type VI alpha 2 chain; plus strand). Cytogenetic location: 21q22.3.
Variant type: single nucleotide variant.
Coding change: c.2096G>A on transcript NM_001849.4 (MANE Select); coding-DNA position 2096, G replaced by A.
Protein change: p.Gly699Asp; replaces glycine 699 with aspartic acid.
Molecular consequence: missense variant.
Genome position (GRCh38, 1-based): chr21:46,125,911, G>A. VCF-style: chr21-46125911-G-A. GRCh37 (hg19) VCF-style: chr21-47545825-G-A.
Other names: c.2096G>A, p.Gly699Asp (NM_058174.3, NM_058175.3); short protein forms G699D.
Identifiers: ClinVar variation 216911 (VCV000216911.13), dbSNP rs863224861, ClinGen allele CA278956.